The following is an entry in ClinVar:

NM_001498.4(GCLC):c.563C>A (p.Thr188Asn)

Gene: GCLC (glutamate-cysteine ligase catalytic subunit; minus strand). Cytogenetic location: 6p12.1.
Variant type: single nucleotide variant.
Coding change: c.563C>A on transcript NM_001498.4 (MANE Select); coding-DNA position 563, C replaced by A.
Protein change: p.Thr188Asn; replaces threonine 188 with asparagine.
Molecular consequence: missense variant.
Genome position (GRCh38, 1-based): chr6:53,514,495, G>T on the plus strand (C>A on the coding strand, the complement: GCLC is on the minus strand). VCF-style: chr6-53514495-G-T. GRCh37 (hg19) VCF-style: chr6-53379293-G-T.
Other names: c.449C>A, p.Thr150Asn (NM_001197115.2); short protein forms T188N, T150N.
Identifiers: ClinVar variation 4731022 (VCV004731022.1).

ClinVar aggregate classification (germline): Uncertain significance (1 of 4 stars; one submission).

Submission:

Labcorp Genetics (formerly Invitae), Labcorp
Classification: Uncertain significance. Last evaluated: 2025-11-27. Review status: criteria provided, single submitter. Criteria: Invitae Variant Classification Sherloc (09022015). Collection method: clinical testing. Allele origin: germline.
Comment: This sequence change replaces threonine, which is neutral and polar, with asparagine, which is neutral and polar, at codon 188 of the GCLC protein (p.Thr188Asn). This variant is not present in population databases (gnomAD no frequency). This variant has not been reported in the literature in individuals affected with GCLC-related conditions. An algorithm developed to predict the effect of missense changes on protein structure and function (PolyPhen-2) suggests that this variant is likely to be tolerated. In summary, the available evidence is currently insufficient to determine the role of this variant in disease. Therefore, it has been classified as a Variant of Uncertain Significance.